The following is an entry in ClinVar:

ClinVar aggregate classification (germline): Likely pathogenic (1 of 4 stars; one submission).

Conditions:
Very long chain acyl-CoA dehydrogenase deficiency (ACADVLD). Also called: Very Long-Chain Acyl-Coenzyme A Dehydrogenase Deficiency; VLCAD Deficiency. Identifiers: Orphanet 26793, MedGen C3887523, MONDO:0008723, OMIM 201475.

Submission:

Natera, Inc.
Classification: Likely pathogenic for Very long chain acyl-CoA dehydrogenase deficiency. Last evaluated: 2025-06-27. Review status: criteria provided, single submitter. Criteria: Natera Variant Classification Schema (03/2026). Collection method: clinical testing. Allele origin: germline.
Comment: The c.1413del variant in ACADVL is a frameshift variant predicted to shift the reading frame beginning at codon 471 and leads to a stop codon 21 codons downstream. This variant is expected to result in nonsense mediated decay, truncation, or a dysfunctional protein product. This variant is rare in the general population with a frequency below the threshold expected for the associated phenotype(s). Given the available evidence, this variant is classified as Likely Pathogenic.

NM_000018.4(ACADVL):c.1413del (p.Phe471fs)

Gene: ACADVL (acyl-CoA dehydrogenase very long chain; plus strand). Cytogenetic location: 17p13.1.
Variant type: Deletion.
Coding change: c.1413del on transcript NM_000018.4 (MANE Select); coding-DNA position 1413, one base deleted (T; older notation c.1413delT).
Protein change: p.Phe471fs; shifts the reading frame from phenylalanine 471.
Molecular consequence: frameshift variant.
Genome position (GRCh38, 1-based): chr17:7,224,048, T deleted; the last of 3 consecutive T bases (chr17:7,224,046-7,224,048); deleting any one gives the same sequence. VCF-style (leftmost placement, unchanged base first): chr17-7224045-GT-G. GRCh37 (hg19) VCF-style: chr17-7127364-GT-G.
Other names: c.1347del, p.Phe449fs (NM_001033859.3); c.1482del, p.Phe494fs (NM_001270447.2); c.1185del, p.Phe395fs (NM_001270448.2); short protein forms F395fs, F449fs, F471fs, F494fs.
Identifiers: ClinVar variation 4817313 (VCV004817313.1).